The following is an entry in ClinVar:

ClinVar aggregate classification (germline): Uncertain significance (1 of 4 stars; one submission).

Conditions:
2-aminoadipic 2-oxoadipic aciduria (AAKAD). Also called: Aminoadipic aciduria; ALPHA-AMINOADIPIC AND ALPHA-KETOADIPIC ACIDURIA. Identifiers: Orphanet 79154, MedGen C1859817, MONDO:0008774, OMIM 204750.

Allele frequency attached by ClinVar (database versions not stated): gnomAD exomes 0.00001; TOPMed 0.00001.

Submission:

Labcorp Genetics (formerly Invitae), Labcorp
Classification: Uncertain significance for 2-aminoadipic 2-oxoadipic aciduria. Last evaluated: 2023-11-22. Review status: criteria provided, single submitter. Criteria: Invitae Variant Classification Sherloc (09022015). Collection method: clinical testing. Allele origin: germline.
Comment: This sequence change replaces serine, which is neutral and polar, with phenylalanine, which is neutral and non-polar, at codon 314 of the DHTKD1 protein (p.Ser314Phe). This variant is not present in population databases (gnomAD no frequency). This variant has not been reported in the literature in individuals affected with DHTKD1-related conditions. An algorithm developed to predict the effect of missense changes on protein structure and function (PolyPhen-2) suggests that this variant is likely to be disruptive. In summary, the available evidence is currently insufficient to determine the role of this variant in disease. Therefore, it has been classified as a Variant of Uncertain Significance.

NM_018706.7(DHTKD1):c.941C>T (p.Ser314Phe)

Gene: DHTKD1 (dehydrogenase E1 and transketolase domain containing 1; plus strand). Cytogenetic location: 10p14.
Variant type: single nucleotide variant.
Coding change: c.941C>T on transcript NM_018706.7 (MANE Select); coding-DNA position 941, C replaced by T.
Protein change: p.Ser314Phe; replaces serine 314 with phenylalanine.
Molecular consequence: missense variant.
Genome position (GRCh38, 1-based): chr10:12,089,209, C>T. VCF-style: chr10-12089209-C-T. GRCh37 (hg19) VCF-style: chr10-12131208-C-T.
Other names: short protein forms S314F.
Identifiers: ClinVar variation 2808186 (VCV002808186.3), dbSNP rs1564391440, ClinGen allele CA376018828.